The following is an entry in ClinVar:

ClinVar aggregate classification (germline): Uncertain significance (1 of 4 stars; one submission).

Conditions:
Cobalamin C disease. Also called: Methylmalonic aciduria with homocystinuria cblC type; Cobalamin-C methylmalonic acidemia and homocystinuria; Methylmalonic acidemia and homocystinuria cblC type; Methylmalonic aciduria and homocystinuria, Vitamin B12-responsive; Vitamin B12 metabolic defect with combined deficiency of methylmalonyl-CoA mutase and homocysteine:methyltetrahydrofolate methyltransferase; methylmalonic aciduria and homocystinuria type cblC. Identifiers: Orphanet 26, Orphanet 79282, MedGen C1848561, MONDO:0010184, OMIM 277400.

Allele frequency attached by ClinVar (database versions not stated): gnomAD exomes 0.00001; ExAC 0.00002; TOPMed 0.00002.
gnomAD v4.1: 10 of 1,614,178 alleles (0.00062%); highest among the groups gnomAD compares: Admixed American, 0.013%; no homozygotes.

Submission:

Labcorp Genetics (formerly Invitae), Labcorp
Classification: Uncertain significance for Cobalamin C disease. Last evaluated: 2022-02-20. Review status: criteria provided, single submitter. Criteria: Invitae Variant Classification Sherloc (09022015). Collection method: clinical testing. Allele origin: germline.
Comment: This sequence change replaces tryptophan, which is neutral and slightly polar, with arginine, which is basic and polar, at codon 200 of the MMACHC protein (p.Trp200Arg). This variant is present in population databases (rs780979789, gnomAD 0.02%). This variant has not been reported in the literature in individuals affected with MMACHC-related conditions. Advanced modeling of protein sequence and biophysical properties (such as structural, functional, and spatial information, amino acid conservation, physicochemical variation, residue mobility, and thermodynamic stability) performed at Invitae indicates that this missense variant is expected to disrupt MMACHC protein function. In summary, the available evidence is currently insufficient to determine the role of this variant in disease. Therefore, it has been classified as a Variant of Uncertain Significance.

NM_015506.3(MMACHC):c.598T>C (p.Trp200Arg)

Gene: MMACHC (metabolism of cobalamin associated C; plus strand). Cytogenetic location: 1p34.1.
Variant type: single nucleotide variant.
Coding change: c.598T>C on transcript NM_015506.3 (MANE Select); coding-DNA position 598, T replaced by C.
Protein change: p.Trp200Arg; replaces tryptophan 200 with arginine.
Molecular consequence: missense variant.
Genome position (GRCh38, 1-based): chr1:45,508,964, T>C. VCF-style: chr1-45508964-T-C. GRCh37 (hg19) VCF-style: chr1-45974636-T-C.
Other names: c.427T>C, p.Trp143Arg (NM_001330540.2); short protein forms W200R, W143R.
Identifiers: ClinVar variation 2078535 (VCV002078535.1), dbSNP rs780979789, ClinGen allele CA827803.